The following is an entry in ClinVar:

NM_001282663.2(MICAL2):c.1752C>T (p.Ala584=)

Gene: MICAL2 (microtubule associated monooxygenase, calponin and LIM domain containing 2; plus strand). Cytogenetic location: 11p15.3.
Variant type: single nucleotide variant.
Coding change: c.1752C>T on transcript NM_001282663.2 (MANE Select); coding-DNA position 1752, C replaced by T.
Protein change: p.Ala584=; no amino-acid change (alanine 584 retained).
Molecular consequence: synonymous variant. On other transcripts: non-coding transcript variant (6).
Genome position (GRCh38, 1-based): chr11:12,226,234, C>T. VCF-style: chr11-12226234-C-T. GRCh37 (hg19) VCF-style: chr11-12247781-C-T.
Other names: c.1752C>T, p.Ala584= (NM_001282664.1, NM_001282665.1, NM_001282666.1 and 11 more transcripts).
Identifiers: ClinVar variation 5040930 (VCV005040930.1).

ClinVar aggregate classification (germline): Likely benign (1 of 4 stars; one submission).

gnomAD v4.1: 411 of 1,614,078 alleles (0.025%); highest among the groups gnomAD compares: Non-Finnish European, 0.032%; 1 homozygote.

Submission:

CeGaT Center for Human Genetics Tuebingen
Classification: Likely benign. Last evaluated: 2026-09-01. Review status: criteria provided, single submitter. Criteria: CeGaT Center For Human Genetics Tuebingen Variant Classification Criteria Version 2. Collection method: clinical testing. Allele origin: germline. Affected: yes. Observed: 1 variant allele.
Comment: MICAL2: BP4, BP7